The following is an entry in ClinVar:

ClinVar aggregate classification (germline): Pathogenic (1 of 4 stars; one submission).

Submission:

Labcorp Genetics (formerly Invitae), Labcorp
Classification: Pathogenic. Last evaluated: 2022-10-24. Review status: criteria provided, single submitter. Criteria: Invitae Variant Classification Sherloc (09022015). Collection method: clinical testing. Allele origin: unknown.
Comment: For these reasons, this variant has been classified as Pathogenic. This variant disrupts a region of the GJB2 protein in which other variant(s) (p.Cys211Leufs*5) have been determined to be pathogenic (PMID: 9529365, 12910486). This suggests that this is a clinically significant region of the protein, and that variants that disrupt it are likely to be disease-causing. This premature translational stop signal has been observed in individual(s) with autosomal recessive deafness (Invitae). In at least one individual the data is consistent with being in trans (on the opposite chromosome) from a pathogenic variant. This sequence change creates a premature translational stop signal (p.Phe83_Val226delinsCysAsnPheVal*) in the GJB2 gene. While this is not anticipated to result in nonsense mediated decay, it is expected to disrupt the last 144 amino acid(s) of the GJB2 protein.

Literature cited by the submitters: PubMed 9529365; PubMed 12910486.

NC_000013.10:g.(?_20762215)_(20763473_?)del

Gene: GJB2 (gap junction protein beta 2; minus strand). Cytogenetic location: 13q12.11.
Variant type: Deletion.
Identifiers: ClinVar variation 3244214 (VCV003244214.1).